The following is an entry in ClinVar:

ClinVar aggregate classification (germline): Uncertain significance (1 of 4 stars; one submission).

Conditions:
Developmental and epileptic encephalopathy, 36 (DEE36). Also called: Congenital disorder of glycosylation, type Is; ALG13-CDG; Epileptic encephalopathy, early infantile, 36. Identifiers: Orphanet 324422, MedGen C4317295, MONDO:0010472, OMIM 300884.

gnomAD v4.1: 1 of 1,037,893 alleles (0.000096%); no homozygotes.

Submission:

Labcorp Genetics (formerly Invitae), Labcorp
Classification: Uncertain significance for Developmental and epileptic encephalopathy, 36. Last evaluated: 2022-03-10. Review status: criteria provided, single submitter. Criteria: Invitae Variant Classification Sherloc (09022015). Collection method: clinical testing. Allele origin: germline.
Comment: In summary, the available evidence is currently insufficient to determine the role of this variant in disease. Therefore, it has been classified as a Variant of Uncertain Significance. Algorithms developed to predict the effect of missense changes on protein structure and function are either unavailable or do not agree on the potential impact of this missense change (SIFT: "Tolerated"; PolyPhen-2: "Possibly Damaging"; Align-GVGD: "Class C0"). This variant has not been reported in the literature in individuals affected with ALG13-related conditions. This variant is not present in population databases (gnomAD no frequency). This sequence change replaces proline, which is neutral and non-polar, with glutamine, which is neutral and polar, at codon 923 of the ALG13 protein (p.Pro923Gln).

NM_001099922.3(ALG13):c.2768C>A (p.Pro923Gln)

Gene: ALG13 (ALG13 UDP-N-acetylglucosaminyltransferase subunit; plus strand). Cytogenetic location: Xq23.
Variant type: single nucleotide variant.
Coding change: c.2768C>A on transcript NM_001099922.3 (MANE Select); coding-DNA position 2768, C replaced by A.
Protein change: p.Pro923Gln; replaces proline 923 with glutamine.
Molecular consequence: missense variant. On other transcripts: intron variant (5).
Genome position (GRCh38, 1-based): chrX:111,744,740, C>A. VCF-style: chrX-111744740-C-A. GRCh37 (hg19) VCF-style: chrX-110987968-C-A.
Other names: c.2534C>A, p.Pro845Gln (NM_001257231.2); c.2383+7861C>A (NM_001257237.2, NM_001257234.2, NM_001257230.2); c.2209+7861C>A (NM_001324293.1); c.2695+7861C>A (NM_001324292.2); short protein forms P923Q, P845Q.
Identifiers: ClinVar variation 2108353 (VCV002108353.4), dbSNP rs1047232159, ClinGen allele CA414291482.